The following is an entry in ClinVar:

NM_000222.3(KIT):c.296A>G (p.Asn99Ser)

Gene: KIT (KIT proto-oncogene, receptor tyrosine kinase; plus strand). Cytogenetic location: 4q12.
Variant type: single nucleotide variant.
Coding change: c.296A>G on transcript NM_000222.3 (MANE Select); coding-DNA position 296, A replaced by G.
Protein change: p.Asn99Ser; replaces asparagine 99 with serine.
Molecular consequence: missense variant.
Genome position (GRCh38, 1-based): chr4:54,695,740, A>G. VCF-style: chr4-54695740-A-G. GRCh37 (hg19) VCF-style: chr4-55561906-A-G.
Other names: c.296A>G, p.Asn99Ser (NM_001385284.1, NM_001385285.1, NM_001385286.1 and 4 more transcripts); short protein forms N99S.
Identifiers: ClinVar variation 2305623 (VCV002305623.5), dbSNP rs2109662767, ClinGen allele CA356897268.

ClinVar aggregate classification (germline): Uncertain significance. Review status: criteria provided, multiple submitters, no conflicts (2 of 4 stars). 2 submissions from 2 submitters: Uncertain significance (2). Last evaluated 2022-12-30.

Conditions:
Gastrointestinal stromal tumor. Also called: Gastrointestinal stroma tumor; Gastrointestinal stromal tumor, somatic. Identifiers: Orphanet 44890, MedGen C0238198, MeSH D046152, MONDO:0011719, OMIM 606764, HP:0100723.
Hereditary cancer-predisposing syndrome. Also called: Neoplastic Syndromes, Hereditary; Tumor predisposition; Hereditary Cancer Syndrome; Hereditary neoplastic syndrome. Identifiers: Orphanet 140162, MedGen C0027672, MeSH D009386, MONDO:0015356.

Submissions (2):

Labcorp Genetics (formerly Invitae), Labcorp
Classification: Uncertain significance for Gastrointestinal stromal tumor. Last evaluated: 2022-12-30. Review status: criteria provided, single submitter. Criteria: Invitae Variant Classification Sherloc (09022015). Collection method: clinical testing. Allele origin: germline.
Comment: In summary, the available evidence is currently insufficient to determine the role of this variant in disease. Therefore, it has been classified as a Variant of Uncertain Significance. This sequence change replaces asparagine, which is neutral and polar, with serine, which is neutral and polar, at codon 99 of the KIT protein (p.Asn99Ser). This variant is not present in population databases (gnomAD no frequency). This variant has not been reported in the literature in individuals affected with KIT-related conditions. Algorithms developed to predict the effect of missense changes on protein structure and function (SIFT, PolyPhen-2, Align-GVGD) all suggest that this variant is likely to be tolerated.

Ambry Genetics
Classification: Uncertain significance for Hereditary cancer-predisposing syndrome. Last evaluated: 2022-08-08. Review status: criteria provided, single submitter. Criteria: Ambry Variant Classification Scheme 2023. Collection method: clinical testing. Allele origin: germline.